The following is an entry in ClinVar:

NM_020686.6(ABAT):c.431G>A (p.Arg144Gln)

Gene: ABAT (4-aminobutyrate aminotransferase; plus strand). Cytogenetic location: 16p13.2.
Variant type: single nucleotide variant.
Coding change: c.431G>A on transcript NM_020686.6 (MANE Select); coding-DNA position 431, G replaced by A.
Protein change: p.Arg144Gln; replaces arginine 144 with glutamine.
Molecular consequence: missense variant.
Genome position (GRCh38, 1-based): chr16:8,764,133, G>A. VCF-style: chr16-8764133-G-A. GRCh37 (hg19) VCF-style: chr16-8857990-G-A.
Other names: c.431G>A, p.Arg144Gln (NM_000663.5, NM_001127448.2, NM_001386600.1 and 10 more transcripts); c.296G>A, p.Arg99Gln (NM_001386610.1, NM_001386611.1, NM_001386612.1 and 1 more transcripts); c.185G>A, p.Arg62Gln (NM_001386614.1); c.527G>A, p.Arg176Gln (NM_001386615.1); short protein forms R144Q, R176Q, R62Q, R99Q.
Identifiers: ClinVar variation 1016439 (VCV001016439.6), dbSNP rs745491786, ClinGen allele CA7893115.
Genomic context (GRCh38, chr16:8,764,133, plus strand): 5'-TGTTTGTCAACAGACCCGCCCTCGGAATCCTGCCTCCGGAGAACTTTGTGGAGAAGCTCC[G>A]GCAGTCCTTGCTCTCGGTGAGTTCTGGAGAAGCAATCCCATTGTCTTCAGACGTGGTACT-3'
Protein context (NP_065737.2, residues 134-154): LPPENFVEKL[Arg144Gln]QSLLSVAPKG

ClinVar aggregate classification (germline): Uncertain significance (1 of 4 stars; one submission).

Conditions:
Gamma-aminobutyric acid transaminase deficiency (GABATD). Also called: GABA transaminase deficiency; Gamma aminobutyrate transaminase deficiency; 4 alpha aminobutyrate transaminase deficiency; GABA aminotransaminase deficiency. Identifiers: Orphanet 2066, MedGen C0342708, MONDO:0013166, OMIM 613163.

Allele frequency attached by ClinVar (database versions not stated): gnomAD 0.00002 and 0.00003; TOPMed 0.00003; ExAC 0.00005; gnomAD exomes 0.00005 and 0.00006.

Submission:

Labcorp Genetics (formerly Invitae), Labcorp
Classification: Uncertain significance for Gamma-aminobutyric acid transaminase deficiency. Last evaluated: 2021-08-31. Review status: criteria provided, single submitter. Criteria: Invitae Variant Classification Sherloc (09022015). Collection method: clinical testing. Allele origin: germline.
Comment: This sequence change replaces arginine with glutamine at codon 144 of the ABAT protein (p.Arg144Gln). The arginine residue is weakly conserved and there is a small physicochemical difference between arginine and glutamine. This variant is present in population databases (rs745491786, ExAC 0.01%). This variant has not been reported in the literature in individuals affected with ABAT-related conditions. Algorithms developed to predict the effect of missense changes on protein structure and function output the following: SIFT: "Tolerated"; PolyPhen-2: "Benign"; Align-GVGD: "Class C0". The glutamine amino acid residue is found in multiple mammalian species, which suggests that this missense change does not adversely affect protein function. In summary, the available evidence is currently insufficient to determine the role of this variant in disease. Therefore, it has been classified as a Variant of Uncertain Significance.